The following is an entry in ClinVar:

ClinVar aggregate classification (germline): Conflicting classifications of pathogenicity. Review status: criteria provided, conflicting classifications (1 of 4 stars). 4 submissions from 4 submitters: Uncertain significance (1); Likely benign (3). Last evaluated 2024-10-07.

Conditions:
Hereditary breast ovarian cancer syndrome. Also called: Hereditary breast and/or ovarian cancer syndrome; BRCA1- and BRCA2-Associated Hereditary Breast and Ovarian Cancer; Breast and ovarian cancer; Hereditary breast and ovarian cancer; Hereditary breast and ovarian cancer syndrome; Hereditary breast and ovarian cancer syndrome (HBOC). Identifiers: Orphanet 145, MedGen C0677776, MeSH D061325, MONDO:0003582. Disease mechanism: loss of function.
Hereditary cancer-predisposing syndrome. Also called: Hereditary neoplastic syndrome; Tumor predisposition; Hereditary Cancer Syndrome; Neoplastic Syndromes, Hereditary. Identifiers: Orphanet 140162, MedGen C0027672, MeSH D009386, MONDO:0015356.

Allele frequency attached by ClinVar (database versions not stated): gnomAD exomes below 0.00001.
gnomAD v4.1: 1 of 1,549,350 alleles (0.000065%); highest among the groups gnomAD compares: Middle Eastern, 0.017%; no homozygotes.

Submissions (4):

Labcorp Genetics (formerly Invitae), Labcorp
Classification: Likely benign for Hereditary breast ovarian cancer syndrome. Last evaluated: 2024-10-07. Review status: criteria provided, single submitter. Criteria: Invitae Variant Classification Sherloc (09022015). Collection method: clinical testing. Allele origin: germline.

GeneDx
Classification: Likely benign. Last evaluated: 2017-10-19. Review status: criteria provided, single submitter. Criteria: GeneDx Variant Classification (06012015). Collection method: clinical testing. Allele origin: germline. Affected: yes.
Comment: This variant is considered likely benign or benign based on one or more of the following criteria: it is a conservative change, it occurs at a poorly conserved position in the protein, it is predicted to be benign by multiple in silico algorithms, and/or has population frequency not consistent with disease.

Color Diagnostics, LLC DBA Color Health
Classification: Likely benign for Hereditary cancer-predisposing syndrome. Last evaluated: 2017-07-25. Review status: criteria provided, single submitter. Criteria: ACMG Guidelines, 2015. Collection method: clinical testing. Allele origin: germline.

Ambry Genetics
Classification: Uncertain significance for Hereditary cancer-predisposing syndrome. Last evaluated: 2015-09-15. Review status: criteria provided, single submitter. Criteria: Ambry Variant Classification Scheme 2023. Collection method: clinical testing. Allele origin: germline.
Comment: The c.631+13A>G intronic alteration consists of a A to G substitution 3 nucleotides after coding exon 6 in the BRCA2 gene. Based on insufficient or conflicting evidence, the clinical significance of this alteration remains unclear.

NM_000059.4(BRCA2):c.631+13A>G

Gene: BRCA2 (BRCA2 DNA repair associated; plus strand). Cytogenetic location: 13q13.1.
Variant type: single nucleotide variant.
Coding change: c.631+13A>G on transcript NM_000059.4 (MANE Select); 13 bases into the intron after coding-DNA position 631, A replaced by G.
Molecular consequence: intron variant.
Genome position (GRCh38, 1-based): chr13:32,326,626, A>G. VCF-style: chr13-32326626-A-G. GRCh37 (hg19) VCF-style: chr13-32900763-A-G.
Identifiers: ClinVar variation 491302 (VCV000491302.13), dbSNP rs1555281112, ClinGen allele CA658683827.
Genomic context (GRCh38, chr13:32,326,626, plus strand): 5'-CAAGTTCTTTAGCTACACCACCCACCCTTAGTTCTACTGTGCTCATAGGTAATAATAGCA[A>G]ATGTGTATTTACAAGAAAGAGCAGATGAGGTTGATAATTGTCATCTCTAATACTTCTGTT-3'